The following is an entry in ClinVar:

NM_001283009.2(RTEL1):c.2170C>T (p.Leu724=)

Genes: RTEL1 (regulator of telomere elongation helicase 1; plus strand), RTEL1-TNFRSF6B (RTEL1-TNFRSF6B readthrough (NMD candidate); plus strand). Cytogenetic location: 20q13.33.
Variant type: single nucleotide variant.
Coding change: c.2170C>T on transcript NM_001283009.2 (MANE Select); coding-DNA position 2170, C replaced by T.
Protein change: p.Leu724=; no amino-acid change (leucine 724 retained).
Molecular consequence: synonymous variant. On other transcripts: non-coding transcript variant (1).
Genome position (GRCh38, 1-based): chr20:63,690,115, C>T. VCF-style: chr20-63690115-C-T. GRCh37 (hg19) VCF-style: chr20-62321468-C-T.
Other names: c.2242C>T (NM_032957.4); c.1501C>T, p.Leu501= (NM_001283010.1); c.2170C>T, p.Leu724= (NM_016434.4); c.2242C>T, p.Leu748= (NM_032957.5).
Identifiers: ClinVar variation 1661046 (VCV001661046.11), dbSNP rs779981404, ClinGen allele CA511661093.

ClinVar aggregate classification (germline): Likely benign. Review status: criteria provided, multiple submitters, no conflicts (2 of 4 stars). 3 submissions from 3 submitters: Likely benign (2). 1 of the submissions does not count toward it. Last evaluated 2023-11-18.

Conditions:
Dyskeratosis congenita, autosomal recessive 5 (DKCB5). Identifiers: MedGen C3554656, MONDO:0014076, OMIM 615190.
Pulmonary fibrosis and/or bone marrow failure, Telomere-related, 3. Also called: PULMONARY FIBROSIS AND/OR BONE MARROW FAILURE SYNDROME, TELOMERE-RELATED, 3. Identifiers: Orphanet 2032, MedGen C4225346, MONDO:0014613, OMIM 616373.
RTEL1-related disorder. Also called: RTEL1-related disorders; RTEL1-related condition.

Allele frequency attached by ClinVar (database versions not stated): TOPMed below 0.00001; gnomAD 0.00001.

Submissions (3):

Labcorp Genetics (formerly Invitae), Labcorp
Classification: Likely benign for Dyskeratosis congenita, autosomal recessive 5; Pulmonary fibrosis and/or bone marrow failure, Telomere-related, 3. Last evaluated: 2023-11-18. Review status: criteria provided, single submitter. Criteria: Invitae Variant Classification Sherloc (09022015). Collection method: clinical testing. Allele origin: germline.

Blueprint Genetics
Classification: Likely benign. Last evaluated: 2022-06-14. Review status: criteria provided, single submitter. Criteria: ACMG Guidelines, 2015. Collection method: clinical testing. Allele origin: germline.

PreventionGenetics, part of Exact Sciences
Classification: Likely benign for RTEL1-related condition. Last evaluated: 2023-07-28. Review status: no assertion criteria provided. Collection method: clinical testing. Allele origin: germline. Not counted in ClinVar's aggregate classification.
Comment: This variant is classified as likely benign based on ACMG/AMP sequence variant interpretation guidelines (Richards et al. 2015 PMID: 25741868, with internal and published modifications).